The following is an entry in ClinVar:

NM_001363711.2(DUOX2):c.1057_1058del (p.Phe353fs)

Gene: DUOX2 (dual oxidase 2; minus strand). Cytogenetic location: 15q21.1.
Variant type: Deletion.
Coding change: c.1057_1058del on transcript NM_001363711.2 (MANE Select); coding-DNA positions 1057 to 1058, 2 bases deleted (TT; older notation c.1057_1058delTT).
Protein change: p.Phe353fs; shifts the reading frame from phenylalanine 353.
Molecular consequence: frameshift variant.
Genome position (GRCh38, 1-based): chr15:45,109,963-45,109,964, AA deleted on the plus strand (TT on the coding strand, the reverse complement: DUOX2 is on the minus strand); deleting any 2 consecutive bases within chr15:45,109,963-45,109,965 gives the same sequence; the c. name uses the placement nearest the transcript's 3' end. VCF-style (leftmost placement, unchanged base first): chr15-45109962-GAA-G. GRCh37 (hg19) VCF-style: chr15-45402160-GAA-G.
Other names: c.1057_1058del, p.Phe353fs (NM_014080.5); short protein forms F353fs.
Identifiers: ClinVar variation 2736210 (VCV002736210.4), dbSNP rs1440661352, ClinGen allele CA618007159.

ClinVar aggregate classification (germline): Pathogenic (1 of 4 stars; one submission).

Submission:

Labcorp Genetics (formerly Invitae), Labcorp
Classification: Pathogenic. Last evaluated: 2025-06-16. Review status: criteria provided, single submitter. Criteria: Invitae Variant Classification Sherloc (09022015). Collection method: clinical testing. Allele origin: germline.
Comment: This sequence change creates a premature translational stop signal (p.Phe353Profs*36) in the DUOX2 gene. It is expected to result in an absent or disrupted protein product. Loss-of-function variants in DUOX2 are known to be pathogenic (PMID: 12110737, 18765513, 21565790, 24423310, 24735383). This variant is present in population databases (no rsID available, gnomAD 0.002%). This premature translational stop signal has been observed in individual(s) with autosomal recessive congenital hypothyroidism (PMID: 28504502). ClinVar contains an entry for this variant (Variation ID: 2736210). For these reasons, this variant has been classified as Pathogenic.

Literature cited by the submitters: PubMed 12110737; PubMed 18765513; PubMed 21565790; PubMed 24423310; PubMed 24735383; PubMed 28504502.